The following is an entry in ClinVar:

ClinVar aggregate classification (germline): Uncertain significance (1 of 4 stars; one submission).

Conditions:
Breast-ovarian cancer, familial, susceptibility to, 4. Identifiers: Orphanet 145, MedGen C3280345, MONDO:0013669, OMIM 614291.

Submission:

Labcorp Genetics (formerly Invitae), Labcorp
Classification: Uncertain significance for Breast-ovarian cancer, familial, susceptibility to, 4. Last evaluated: 2018-11-08. Review status: criteria provided, single submitter. Criteria: Invitae Variant Classification Sherloc (09022015). Collection method: clinical testing. Allele origin: germline.
Comment: In summary, the available evidence is currently insufficient to determine the role of this variant in disease. Therefore, it has been classified as a Variant of Uncertain Significance. Algorithms developed to predict the effect of missense changes on protein structure and function (SIFT, PolyPhen-2, Align-GVGD) all suggest that this variant is likely to be tolerated, but these predictions have not been confirmed by published functional studies and their clinical significance is uncertain. This variant has not been reported in the literature in individuals with RAD51D-related disease. This variant is not present in population databases (ExAC no frequency). This sequence change replaces phenylalanine with tyrosine at codon 176 of the RAD51D protein (p.Phe176Tyr). The phenylalanine residue is moderately conserved and there is a small physicochemical difference between phenylalanine and tyrosine.

NM_002878.4(RAD51D):c.527T>A (p.Phe176Tyr)

Genes: RAD51L3-RFFL (RAD51L3-RFFL readthrough; minus strand), RAD51D (RAD51 paralog D; minus strand). Cytogenetic location: 17q12.
Variant type: single nucleotide variant.
Coding change: c.527T>A on transcript NM_002878.4 (MANE Select); coding-DNA position 527, T replaced by A.
Protein change: p.Phe176Tyr; replaces phenylalanine 176 with tyrosine.
Molecular consequence: missense variant. On other transcripts: non-coding transcript variant (3).
Genome position (GRCh38, 1-based): chr17:35,106,435, A>T on the plus strand (T>A on the coding strand, the complement: RAD51D is on the minus strand). VCF-style: chr17-35106435-A-T. GRCh37 (hg19) VCF-style: chr17-33433454-A-T.
Other names: c.587T>A, p.Phe196Tyr (NM_001142571.2); c.191T>A, p.Phe64Tyr (NM_133629.3); short protein forms F176Y, F64Y, F196Y.
Identifiers: ClinVar variation 653386 (VCV000653386.5), dbSNP rs1064794153, ClinGen allele CA399088796.